The following is an entry in ClinVar:

ClinVar aggregate classification (germline): Uncertain significance (1 of 4 stars; one submission).

Submission:

Women's Health and Genetics/Laboratory Corporation of America, LabCorp
Classification: Uncertain significance. Last evaluated: 2022-11-15. Review status: criteria provided, single submitter. Criteria: LabCorp Variant Classification Summary - May 2015. Collection method: clinical testing. Allele origin: germline.
Comment: Variant summary: HERC1 c.125T>C (p.Val42Ala) results in a non-conservative amino acid change in the encoded protein sequence. Three of five in-silico tools predict a damaging effect of the variant on protein function. The variant was absent in 249266 control chromosomes (gnomAD). The available data on variant occurrences in the general population are insufficient to allow any conclusion about variant significance. To our knowledge, no occurrence of c.125T>C in individuals affected with Macrocephaly, Dysmorphic Facies, And Psychomotor Retardation and no experimental evidence demonstrating its impact on protein function have been reported. No clinical diagnostic laboratories have submitted clinical-significance assessments for this variant to ClinVar after 2014. Based on the evidence outlined above, the variant was classified as uncertain significance.

NM_003922.4(HERC1):c.125T>C (p.Val42Ala)

Gene: HERC1 (HECT and RLD domain containing E3 ubiquitin protein ligase family member 1; minus strand). Cytogenetic location: 15q22.31.
Variant type: single nucleotide variant.
Coding change: c.125T>C on transcript NM_003922.4 (MANE Select); coding-DNA position 125, T replaced by C.
Protein change: p.Val42Ala; replaces valine 42 with alanine.
Molecular consequence: missense variant.
Genome position (GRCh38, 1-based): chr15:63,775,499, A>G on the plus strand (T>C on the coding strand, the complement: HERC1 is on the minus strand). VCF-style: chr15-63775499-A-G. GRCh37 (hg19) VCF-style: chr15-64067698-A-G.
Other names: short protein forms V42A.
Identifiers: ClinVar variation 1804753 (VCV001804753.1), dbSNP rs2076086449, ClinGen allele CA392807238.